The following is an entry in ClinVar:

NM_000186.4(CFH):c.3547T>A (p.Trp1183Arg)

Gene: CFH (complement factor H; plus strand). Cytogenetic location: 1q31.3.
Variant type: single nucleotide variant.
Coding change: c.3547T>A on transcript NM_000186.4 (MANE Select); coding-DNA position 3547, T replaced by A.
Protein change: p.Trp1183Arg; replaces tryptophan 1183 with arginine.
Molecular consequence: missense variant.
Genome position (GRCh38, 1-based): chr1:196,747,164, T>A. VCF-style: chr1-196747164-T-A. GRCh37 (hg19) VCF-style: chr1-196716294-T-A.
Other names: short protein forms W1183R.
Identifiers: ClinVar variation 4291669 (VCV004291669.1).

ClinVar aggregate classification (germline): Likely pathogenic, low penetrance (1 of 4 stars; one submission).

Conditions:
Atypical hemolytic-uremic syndrome. Identifiers: Orphanet 2134, MedGen C2931788, MONDO:0016244.

Submission:

Genomenon, Inc
Classification: Likely pathogenic, low penetrance for Atypical hemolytic-uremic syndrome. Last evaluated: 2025-10-02. Review status: criteria provided, single submitter. Criteria: Genomenon Sequence Variant Interpretation Standards - Updated. Collection method: curation. Allele origin: germline. Affected: yes.
Comment: CFH p.Trp1183Arg (c.3547T>A) is a missense variant that changes the amino acid at residue 1183 from Tryptophan to Arginine. This variant has been observed in at least one proband affected with atypical hemolytic-uremic syndrome (PMID:12020532). Functional studies have been reported (PMID:29218045;19454698;34189567). It is absent or not present at a significant frequency in gnomAD. In silico models agree that this variant is possibly or probably damaging. Another cDNA variant that causes the same protein consequence has been determined to be pathogenic/likely pathogenic. In conclusion, we classify CFH p.Trp1183Arg (c.3547T>A) as a likely pathogenic, low penetrance variant.

Literature cited by the submitters: PubMed 12020532; PubMed 29218045; PubMed 19454698; PubMed 34189567.